The following is an entry in ClinVar:

NM_018010.4(IFT57):c.828A>C (p.Glu276Asp)

Gene: IFT57 (intraflagellar transport 57; minus strand). Cytogenetic location: 3q13.12.
Variant type: single nucleotide variant.
Coding change: c.828A>C on transcript NM_018010.4 (MANE Select); coding-DNA position 828, A replaced by C.
Protein change: p.Glu276Asp; replaces glutamic acid 276 with aspartic acid.
Molecular consequence: missense variant.
Genome position (GRCh38, 1-based): chr3:108,167,814, T>G on the plus strand (A>C on the coding strand, the complement: IFT57 is on the minus strand). VCF-style: chr3-108167814-T-G. GRCh37 (hg19) VCF-style: chr3-107886661-T-G.
Other names: c.828A>C (NM_018010.3); short protein forms E276D.
Identifiers: ClinVar variation 1375061 (VCV001375061.9), dbSNP rs200227143, ClinGen allele CA2526560.
Genomic context (GRCh38, chr3:108,167,814, plus strand): 5'-AGTAAATGTACATTGATTCACGTAAAGTAATTCATATACCTTGGTCTCCTTTAGAGCAGA[T>G]TCAATTCCACTTCTGTGCTGGTGCATTTGGTCAACATGGATTCTCCAATCCTACAGGCAT-3'
Protein context (NP_060480.1, residues 266-286): DQMHQHRSGI[Glu276Asp]SALKETKGFL

ClinVar aggregate classification (germline): Uncertain significance. Review status: criteria provided, multiple submitters, no conflicts (2 of 4 stars). 2 submissions from 2 submitters: Uncertain significance (2). Last evaluated 2025-02-25.

Allele frequency attached by ClinVar (database versions not stated): gnomAD 0.00004 and 0.00006; TOPMed 0.00006; gnomAD exomes 0.00008; ExAC 0.00009; 1000 Genomes Project 30x 0.00031; 1000 Genomes Project 0.00040.
gnomAD v4.1: 63 of 1,591,250 alleles (0.004%); highest among the groups gnomAD compares: East Asian, 0.13%; no homozygotes.

Submissions (2):

Labcorp Genetics (formerly Invitae), Labcorp
Classification: Uncertain significance. Last evaluated: 2025-02-25. Review status: criteria provided, single submitter. Criteria: Invitae Variant Classification Sherloc (09022015). Collection method: clinical testing. Allele origin: germline.
Comment: This sequence change replaces glutamic acid, which is acidic and polar, with aspartic acid, which is acidic and polar, at codon 276 of the IFT57 protein (p.Glu276Asp). This variant is present in population databases (rs200227143, gnomAD 0.09%), and has an allele count higher than expected for a pathogenic variant. This variant has not been reported in the literature in individuals affected with IFT57-related conditions. ClinVar contains an entry for this variant (Variation ID: 1375061). An algorithm developed to predict the effect of missense changes on protein structure and function (PolyPhen-2) suggests that this variant is likely to be tolerated. In summary, the available evidence is currently insufficient to determine the role of this variant in disease. Therefore, it has been classified as a Variant of Uncertain Significance.

Ambry Genetics
Classification: Uncertain significance. Last evaluated: 2024-01-30. Review status: criteria provided, single submitter. Criteria: Ambry Variant Classification Scheme 2023. Collection method: clinical testing. Allele origin: germline.